The following is an entry in ClinVar:

ClinVar aggregate classification (germline): Conflicting classifications of pathogenicity. Review status: criteria provided, conflicting classifications (1 of 4 stars). 5 submissions from 5 submitters: Pathogenic (3); Likely pathogenic (1); Uncertain significance (1). Last evaluated 2025-09-24.

Conditions:
Autoinflammatory syndrome. Identifiers: Orphanet 93665, MedGen C3890737, MONDO:0019751.
Familial hemophagocytic lymphohistiocytosis (FHL). Also called: Familial erythrophagocytic lymphohistiocytosis; Familial histiocytic reticulosis; Hereditary hemophagocytic lymphohistiocytosis. Identifiers: Orphanet 158038, Orphanet 540, MedGen C0272199, MONDO:0015541.
Familial hemophagocytic lymphohistiocytosis 3 (FHL3). Also called: UNC13D-Related Familial Hemophagocytic Lymphohistiocytosis (UNC13D-fHLH). Identifiers: Orphanet 540, MedGen C1837174, MONDO:0012146, OMIM 608898.

Allele frequency attached by ClinVar (database versions not stated): TOPMed below 0.00001.
gnomAD v4.1: 3 of 1,537,392 alleles (0.0002%); highest among the groups gnomAD compares: East Asian, 0.0049%; no homozygotes.

Submissions (5):

Genesolutions, Medical Genetics Institutes, Ho Chi Minh City, Vietnam
Classification: Likely pathogenic for Familial hemophagocytic lymphohistiocytosis 3. Last evaluated: 2025-09-24. Review status: criteria provided, single submitter. Criteria: ACMG Guidelines, 2015. Collection method: clinical testing. Allele origin: germline. Affected: yes.

Labcorp Genetics (formerly Invitae), Labcorp
Classification: Pathogenic for Familial hemophagocytic lymphohistiocytosis 3. Last evaluated: 2025-04-14. Review status: criteria provided, single submitter. Criteria: Invitae Variant Classification Sherloc (09022015). Collection method: clinical testing. Allele origin: germline.
Comment: This sequence change replaces glycine, which is neutral and non-polar, with arginine, which is basic and polar, at codon 1051 of the UNC13D protein (p.Gly1051Arg). This variant also falls at the last nucleotide of exon 31, which is part of the consensus splice site for this exon. This variant is not present in population databases (gnomAD no frequency). This missense change has been observed in individuals with hemophagocytic lymphohistiocytosis (PMID: 34339548). ClinVar contains an entry for this variant (Variation ID: 1012139). An algorithm developed to predict the effect of missense changes on protein structure and function (PolyPhen-2) suggests that this variant is likely to be disruptive. Variants that disrupt the consensus splice site are a relatively common cause of aberrant splicing (PMID: 17576681, 9536098). Algorithms developed to predict the effect of sequence changes on RNA splicing suggest that this variant may disrupt the consensus splice site. For these reasons, this variant has been classified as Pathogenic.

Fulgent Genetics
Classification: Pathogenic for Familial hemophagocytic lymphohistiocytosis 3. Last evaluated: 2024-03-14. Review status: criteria provided, single submitter. Criteria: ACMG Guidelines, 2015. Collection method: clinical testing. Allele origin: germline.

Women's Health and Genetics/Laboratory Corporation of America, LabCorp
Classification: Pathogenic for Familial hemophagocytic lymphohistiocytosis. Last evaluated: 2024-03-13. Review status: criteria provided, single submitter. Criteria: LabCorp Variant Classification Summary - May 2015. Collection method: clinical testing. Allele origin: germline.
Comment: Variant summary: UNC13D c.3151G>A (p.Gly1051Arg) results in a non-conservative amino acid change in the encoded protein sequence. Four of five in-silico tools predict a damaging effect of the variant on protein function. Several computational tools predict a significant impact on normal splicing: Two predict the variant abolishes a canonical 5' splicing donor site and two predict the variant weakens this site. At least one publication reports experimental evidence that this variant affects mRNA splicing (Xinh_2021), resulting in exon 31 skipping. The frequency data for this variant in gnomAD v2.1 is considered unreliable, as metrics indicate poor data quality at this position, however it was found at a frequency of 2.16e-6 in gnomAD v.4.0. c.3151G>A has been reported in the literature in multiple individuals affected with Familial Hemophagocytic Lymphohistiocytosis (Xinh_2021). These data indicate that the variant is very likely to be associated with disease. The following publication has been ascertained in the context of this evaluation (PMID: 34339548). ClinVar contains an entry for this variant (Variation ID: 1012139). Based on the evidence outlined above, the variant was classified as pathogenic.

Genome Diagnostics Laboratory, The Hospital for Sick Children
Classification: Uncertain significance for Autoinflammatory syndrome. Last evaluated: 2016-12-12. Review status: criteria provided, single submitter. Criteria: ACMG Guidelines, 2015. Collection method: clinical testing. Allele origin: germline. Affected: yes.

Literature cited by the submitters: PubMed 34339548 (cited by Labcorp Genetics (formerly Invitae), Labcorp and Women's Health and Genetics/Laboratory Corporation of America, LabCorp); PubMed 17576681 (cited by Labcorp Genetics (formerly Invitae), Labcorp); PubMed 9536098 (cited by Labcorp Genetics (formerly Invitae), Labcorp).

NM_199242.3(UNC13D):c.3151G>A (p.Gly1051Arg)

Gene: UNC13D (unc-13 homolog D; minus strand). Cytogenetic location: 17q25.1.
Variant type: single nucleotide variant.
Coding change: c.3151G>A on transcript NM_199242.3 (MANE Select); coding-DNA position 3151, G replaced by A.
Protein change: p.Gly1051Arg; replaces glycine 1051 with arginine.
Molecular consequence: missense variant.
Genome position (GRCh38, 1-based): chr17:75,828,787, C>T on the plus strand (G>A on the coding strand, the complement: UNC13D is on the minus strand). VCF-style: chr17-75828787-C-T. GRCh37 (hg19) VCF-style: chr17-73824868-C-T.
Other names: short protein forms G1051R.
Identifiers: ClinVar variation 1012139 (VCV001012139.14), dbSNP rs1232542382, ClinGen allele CA401074000.
Genomic context (GRCh38, chr17:75,828,787, plus strand): 5'-CCCTGCCTGAGCTTTACAGGCTCCCGTCCCCGCACCACCCTGCCCTGGGCTCAGGCCTAC[C>T]GTTGGGTGCGGGGTACGTGAGGGGCAGGCGGGTCTGAGGCACCTCACCAGGCTCCTCAGA-3'
Protein context (NP_954712.1, residues 1041-1061): RLPLTYPAPN[Gly1051Arg]DPILQLLEGR